The following is an entry in ClinVar:

NM_001365915.1(SKOR1):c.2067A>T (p.Pro689=)

Gene: SKOR1 (SKI family transcriptional corepressor 1; plus strand). Cytogenetic location: 15q23.
Variant type: single nucleotide variant.
Coding change: c.2067A>T on transcript NM_001365915.1 (MANE Select); coding-DNA position 2067, A replaced by T.
Protein change: p.Pro689=; no amino-acid change (proline 689 retained).
Molecular consequence: synonymous variant.
Genome position (GRCh38, 1-based): chr15:67,827,895, A>T. VCF-style: chr15-67827895-A-T. GRCh37 (hg19) VCF-style: chr15-68120233-A-T.
Identifiers: ClinVar variation 2645485 (VCV002645485.24), dbSNP rs371609590, ClinGen allele CA7629367.

ClinVar aggregate classification (germline): Likely benign (1 of 4 stars; one submission).

Allele frequency attached by ClinVar (database versions not stated): TOPMed 0.00018; gnomAD 0.00024; gnomAD exomes 0.00025; ESP Exome Variant Server 0.00047; ExAC 0.00059.
gnomAD v4.1: 399 of 1,599,980 alleles (0.025%); highest among the groups gnomAD compares: Non-Finnish European, 0.028%; no homozygotes.

Submission:

CeGaT Center for Human Genetics Tuebingen
Classification: Likely benign. Last evaluated: 2022-11-01. Review status: criteria provided, single submitter. Criteria: CeGaT Center For Human Genetics Tuebingen Variant Classification Criteria Version 2. Collection method: clinical testing. Allele origin: germline. Affected: yes. Observed: 1 variant allele.
Comment: SKOR1: BP4, BP7